The following is an entry in ClinVar:

NM_021098.3(CACNA1H):c.5330G>T (p.Ser1777Ile)

Gene: CACNA1H (calcium voltage-gated channel subunit alpha1 H; plus strand). Cytogenetic location: 16p13.3.
Variant type: single nucleotide variant.
Coding change: c.5330G>T on transcript NM_021098.3 (MANE Select); coding-DNA position 5330, G replaced by T.
Protein change: p.Ser1777Ile; replaces serine 1777 with isoleucine.
Molecular consequence: missense variant.
Genome position (GRCh38, 1-based): chr16:1,217,925, G>T. VCF-style: chr16-1217925-G-T. GRCh37 (hg19) VCF-style: chr16-1267925-G-T.
Other names: c.5312G>T, p.Ser1771Ile (NM_001005407.2); short protein forms S1771I, S1777I.
Identifiers: ClinVar variation 1317190 (VCV001317190.5), dbSNP rs1439949443, ClinGen allele CA394146923.
Genomic context (GRCh38, chr16:1,217,925, plus strand): 5'-CCGCCTCCACCCGGAGCGGGCTCGGCTGACCGGGCGGGGTCTCCCTCCCCGCAGAGTGCA[G>T]TGAAGACAACCCCTGCGAGGGCCTGAGCAGGCACGCCACCTTCAGCAACTTCGGCATGGC-3'
Protein context (NP_066921.2, residues 1767-1787): GVELFGRLEC[Ser1777Ile]EDNPCEGLSR

ClinVar aggregate classification (germline): Conflicting classifications of pathogenicity. Review status: criteria provided, conflicting classifications (1 of 4 stars). 2 submissions from 2 submitters: Uncertain significance (1); Likely benign (1). Last evaluated 2024-07-06.

Conditions:
Idiopathic generalized epilepsy. Also called: Generalised epilepsy; EIG. Identifiers: MedGen C0270850, MONDO:0005579, OMIM 600669.
Hyperaldosteronism, familial, type IV (HALD4). Also called: FH IV; ALDOSTERONISM, PRIMARY, AND HYPERTENSION. Identifiers: Orphanet 642671, MedGen C4310756, MONDO:0014875, OMIM 617027.

Allele frequency attached by ClinVar (database versions not stated): gnomAD exomes below 0.00001.
gnomAD v4.1: 1 of 1,603,938 alleles (0.000062%); highest among the groups gnomAD compares: Admixed American, 0.0017%; no homozygotes.

Submissions (2):

Labcorp Genetics (formerly Invitae), Labcorp
Classification: Likely benign for Idiopathic generalized epilepsy; Hyperaldosteronism, familial, type IV. Last evaluated: 2024-07-06. Review status: criteria provided, single submitter. Criteria: Invitae Variant Classification Sherloc (09022015). Collection method: clinical testing. Allele origin: germline.

GeneDx
Classification: Uncertain significance. Last evaluated: 2019-07-19. Review status: criteria provided, single submitter. Criteria: GeneDx Variant Classification Process June 2021. Collection method: clinical testing. Allele origin: germline. Affected: yes.
Comment: Not observed at a significant frequency in large population cohorts (Lek et al., 2016); In silico analysis, which includes protein predictors and evolutionary conservation, supports a deleterious effect; Has not been previously published as pathogenic or benign to our knowledge